The following is an entry in ClinVar:

ClinVar aggregate classification (germline): Uncertain significance. Review status: criteria provided, multiple submitters, no conflicts (2 of 4 stars). 3 submissions from 3 submitters: Uncertain significance (3). Last evaluated 2025-02-15.

Conditions:
Proliferative vasculopathy and hydranencephaly-hydrocephaly syndrome. Also called: Fowler syndrome; ENCEPHALOCLASTIC PROLIFERATIVE VASCULOPATHY; HYDRANENCEPHALY, FOWLER TYPE; HYDROCEPHALY/HYDRANENCEPHALY DUE TO CEREBRAL VASCULOPATHY. Identifiers: Orphanet 221126, MedGen C1856972, MONDO:0009168, OMIM 225790.

Submissions (3):

GeneDx
Classification: Uncertain significance. Last evaluated: 2025-02-15. Review status: criteria provided, single submitter. Criteria: GeneDx Variant Classification Process June 2021. Collection method: clinical testing. Allele origin: germline. Affected: yes.
Comment: In-frame deletion of 6 amino acid(s) in a non-repeat region; In silico analysis indicates that this variant does not alter protein structure/function; Has not been previously published as pathogenic or benign to our knowledge

Labcorp Genetics (formerly Invitae), Labcorp
Classification: Uncertain significance. Last evaluated: 2022-10-19. Review status: criteria provided, single submitter. Criteria: Invitae Variant Classification Sherloc (09022015). Collection method: clinical testing. Allele origin: germline.
Comment: This variant, c.180_197del, results in the deletion of 6 amino acid(s) of the FLVCR2 protein (p.Gln60_Ala65del), but otherwise preserves the integrity of the reading frame. This variant is present in population databases (rs745482622, gnomAD 0.2%). In summary, the available evidence is currently insufficient to determine the role of this variant in disease. Therefore, it has been classified as a Variant of Uncertain Significance. Experimental studies and prediction algorithms are not available or were not evaluated, and the functional significance of this variant is currently unknown. This variant has not been reported in the literature in individuals affected with FLVCR2-related conditions.

Juno Genomics, Hangzhou Juno Genomics, Inc
Classification: Uncertain significance for Proliferative vasculopathy and hydranencephaly-hydrocephaly syndrome. Review status: criteria provided, single submitter. Criteria: ACMG Guidelines, 2015. Collection method: clinical testing. Allele origin: germline.
Comment: Protein length changes due to in-frame deletions/insertions in a non-repeat region or stop-loss variants.

NM_017791.3(FLVCR2):c.180_197del (p.Gln60_Ala65del)

Genes: FLVCR2 (FLVCR choline and putative heme transporter 2; plus strand), FLVCR2-AS1 (FLVCR2 antisense RNA 1; minus strand). Cytogenetic location: 14q24.3.
Variant type: Deletion.
Coding change: c.180_197del on transcript NM_017791.3 (MANE Select); coding-DNA positions 180 to 197, 18 bases deleted (ACCCAGTGGCTTGGCTCA).
Protein change: p.Gln60_Ala65del.
Molecular consequence: inframe deletion. On other transcripts: non-coding transcript variant (1).
Genome position (GRCh38, 1-based): chr14:75,579,152-75,579,169, ACCCAGTGGCTTGGCTCA deleted; deleting any 18 consecutive bases within chr14:75,579,150-75,579,169 gives the same sequence; the c. name uses the placement nearest the transcript's 3' end. VCF-style (leftmost placement, unchanged base first): chr14-75579149-CCAACCCAGTGGCTTGGCT-C. GRCh37 (hg19) VCF-style: chr14-76045492-CCAACCCAGTGGCTTGGCT-C.
Other names: c.180_197del (NM_017791.2).
Identifiers: ClinVar variation 2046871 (VCV002046871.7), dbSNP rs745482622, ClinGen allele CA7278166.